The following is an entry in ClinVar:

ClinVar aggregate classification (germline): Uncertain significance. Review status: criteria provided, multiple submitters, no conflicts (2 of 4 stars). 4 submissions from 4 submitters: Uncertain significance (4). Last evaluated 2025-06-29.

Conditions:
Inborn genetic diseases. Identifiers: MedGen C0950123, MeSH D030342.
Myopathy, proximal, and ophthalmoplegia (CMYO6). Also called: CONGENITAL MYOPATHY 6 WITH OPHTHALMOPLEGIA; INCLUSION BODY MYOPATHY 3, AUTOSOMAL DOMINANT; MYOPATHY WITH CONGENITAL JOINT CONTRACTURES, OPHTHALMOPLEGIA, AND RIMMED VACUOLES. Identifiers: Orphanet 363677, Orphanet 79091, MedGen C1854106, MONDO:0011577, OMIM 605637.

Allele frequency attached by ClinVar (database versions not stated): gnomAD 0.00003; ExAC 0.00004; gnomAD exomes 0.00004; TOPMed 0.00005; 1000 Genomes Project 30x 0.00016; 1000 Genomes Project 0.00020.
gnomAD v4.1: 72 of 1,614,206 alleles (0.0045%); highest among the groups gnomAD compares: Admixed American, 0.0067%; no homozygotes.

Submissions (4):

Labcorp Genetics (formerly Invitae), Labcorp
Classification: Uncertain significance for Myopathy, proximal, and ophthalmoplegia. Last evaluated: 2025-06-29. Review status: criteria provided, single submitter. Criteria: Invitae Variant Classification Sherloc (09022015). Collection method: clinical testing. Allele origin: germline.
Comment: This sequence change replaces arginine, which is basic and polar, with glutamine, which is neutral and polar, at codon 1695 of the MYH2 protein (p.Arg1695Gln). This variant is present in population databases (rs528532960, gnomAD 0.004%). This variant has not been reported in the literature in individuals affected with MYH2-related conditions. ClinVar contains an entry for this variant (Variation ID: 2433891). An algorithm developed to predict the effect of missense changes on protein structure and function (PolyPhen-2) suggests that this variant is likely to be tolerated. In summary, the available evidence is currently insufficient to determine the role of this variant in disease. Therefore, it has been classified as a Variant of Uncertain Significance.

GeneDx
Classification: Uncertain significance. Last evaluated: 2025-06-20. Review status: criteria provided, single submitter. Criteria: GeneDx Variant Classification Process June 2021. Collection method: clinical testing. Allele origin: germline. Affected: yes.
Comment: In silico analysis supports that this missense variant has a deleterious effect on protein structure/function; Has not been previously published as pathogenic or benign to our knowledge

Ambry Genetics
Classification: Uncertain significance for Inborn genetic diseases. Last evaluated: 2023-11-29. Review status: criteria provided, single submitter. Criteria: Ambry Variant Classification Scheme 2023. Collection method: clinical testing. Allele origin: germline.

Revvity Omics, Revvity
Classification: Uncertain significance for Myopathy, proximal, and ophthalmoplegia. Last evaluated: 2019-08-02. Review status: criteria provided, single submitter. Criteria: ACMG Guidelines, 2015. Collection method: clinical testing. Allele origin: germline.

NM_017534.6(MYH2):c.5084G>A (p.Arg1695Gln)

Genes: MYHAS (myosin heavy chain gene cluster antisense RNA; plus strand), MYH2 (myosin heavy chain 2; minus strand), LOC126862500 (BRD4-independent group 4 enhancer GRCh37_chr17:10427829-10429028; plus strand). Cytogenetic location: 17p13.1.
Variant type: single nucleotide variant.
Coding change: c.5084G>A on transcript NM_017534.6 (MANE Select); coding-DNA position 5084, G replaced by A.
Protein change: p.Arg1695Gln; replaces arginine 1695 with glutamine.
Molecular consequence: missense variant.
Genome position (GRCh38, 1-based): chr17:10,524,557, C>T on the plus strand (G>A on the coding strand, the complement: MYH2 is on the minus strand). VCF-style: chr17-10524557-C-T. GRCh37 (hg19) VCF-style: chr17-10427874-C-T.
Other names: c.5084G>A, p.Arg1695Gln (NM_001100112.2); short protein forms R1695Q.
Identifiers: ClinVar variation 2433891 (VCV002433891.8), dbSNP rs528532960, ClinGen allele CA8390495.